The following is an entry in ClinVar:

ClinVar aggregate classification (germline): Uncertain significance. Review status: criteria provided, multiple submitters, no conflicts (2 of 4 stars). 4 submissions from 4 submitters: Uncertain significance (4). Last evaluated 2025-03-26.

Conditions:
Familial adenomatous polyposis 1 (FAP1). Also called: FAMILIAL ADENOMATOUS POLYPOSIS 1, ATTENUATED; POLYPOSIS, ADENOMATOUS INTESTINAL. Identifiers: MedGen C2713442, MONDO:0021056, OMIM 175100. Disease mechanism: loss of function.
Hereditary cancer-predisposing syndrome. Also called: Tumor predisposition; Hereditary Cancer Syndrome; Hereditary neoplastic syndrome; Neoplastic Syndromes, Hereditary. Identifiers: Orphanet 140162, MedGen C0027672, MeSH D009386, MONDO:0015356.

Allele frequency attached by ClinVar (database versions not stated): gnomAD 0.00001.
gnomAD v4.1: 14 of 1,614,044 alleles (0.00087%); highest among the groups gnomAD compares: Non-Finnish European, 0.0012%; no homozygotes.

Submissions (4):

Ambry Genetics
Classification: Uncertain significance for Hereditary cancer-predisposing syndrome. Last evaluated: 2025-03-26. Review status: criteria provided, single submitter. Criteria: Ambry Variant Classification Scheme 2023. Collection method: clinical testing. Allele origin: germline.
Comment: The p.R923T variant (also known as c.2768G>C), located in coding exon 15 of the APC gene, results from a G to C substitution at nucleotide position 2768. The arginine at codon 923 is replaced by threonine, an amino acid with similar properties. This amino acid position is highly conserved in available vertebrate species. In addition, in silico predictors for this gene do not accurately predict pathogenicity. Missense alterations in APC are not a common cause of disease (Spier I et al. Genet Med. 2024 Feb;26(2):100992). Based on the available evidence, the clinical significance of this variant remains unclear.

Labcorp Genetics (formerly Invitae), Labcorp
Classification: Uncertain significance for Familial adenomatous polyposis 1. Last evaluated: 2025-03-02. Review status: criteria provided, single submitter. Criteria: Invitae Variant Classification Sherloc (09022015). Collection method: clinical testing. Allele origin: germline.
Comment: This sequence change replaces arginine, which is basic and polar, with threonine, which is neutral and polar, at codon 923 of the APC protein (p.Arg923Thr). This variant is not present in population databases (gnomAD no frequency). This variant has not been reported in the literature in individuals affected with APC-related conditions. ClinVar contains an entry for this variant (Variation ID: 374675). Invitae Evidence Modeling of protein sequence and biophysical properties (such as structural, functional, and spatial information, amino acid conservation, physicochemical variation, residue mobility, and thermodynamic stability) indicates that this missense variant is not expected to disrupt APC protein function with a negative predictive value of 95%. In summary, the available evidence is currently insufficient to determine the role of this variant in disease. Therefore, it has been classified as a Variant of Uncertain Significance.

Molecular Pathology, Peter Maccallum Cancer Centre
Classification: Uncertain significance for Familial adenomatous polyposis 1. Last evaluated: 2024-06-17. Review status: criteria provided, single submitter. Criteria: ACMG Guidelines, 2015. Collection method: clinical testing. Allele origin: germline. Inheritance: Autosomal dominant inheritance.

CeGaT Center for Human Genetics Tuebingen
Classification: Uncertain significance. Last evaluated: 2019-02-01. Review status: criteria provided, single submitter. Criteria: CeGaT Center For Human Genetics Tuebingen Variant Classification Criteria Version 2. Collection method: clinical testing. Allele origin: germline. Affected: yes. Observed: 2 variant alleles.

NM_000038.6(APC):c.2768G>C (p.Arg923Thr)

Gene: APC (APC regulator of Wnt signaling pathway; plus strand). Cytogenetic location: 5q22.2.
Variant type: single nucleotide variant.
Coding change: c.2768G>C on transcript NM_000038.6 (MANE Select); coding-DNA position 2768, G replaced by C.
Protein change: p.Arg923Thr; replaces arginine 923 with threonine.
Molecular consequence: missense variant.
Genome position (GRCh38, 1-based): chr5:112,838,362, G>C. VCF-style: chr5-112838362-G-C. GRCh37 (hg19) VCF-style: chr5-112174059-G-C.
Other names: c.2768G>C, p.Arg923Thr (NM_001127510.3, NM_001354895.2); c.2714G>C, p.Arg905Thr (NM_001127511.3); c.2822G>C, p.Arg941Thr (NM_001354896.2); c.2798G>C, p.Arg933Thr (NM_001354897.2); c.2693G>C, p.Arg898Thr (NM_001354898.2); c.2684G>C, p.Arg895Thr (NM_001354899.2); c.2645G>C, p.Arg882Thr (NM_001354900.2); c.2591G>C, p.Arg864Thr (NM_001354901.2); and 5 more; short protein forms R905T, R923T, R895T, R898T, R822T, R882T, R933T, R763T.
Identifiers: ClinVar variation 374675 (VCV000374675.51), dbSNP rs1057519194, ClinGen allele CA16027369.